The following is an entry in ClinVar:

ClinVar aggregate classification (germline): Conflicting classifications of pathogenicity. Review status: criteria provided, conflicting classifications (1 of 4 stars). 2 submissions from 2 submitters: Pathogenic (1); Uncertain significance (1). Last evaluated 2026-03-20.

Allele frequency attached by ClinVar (database versions not stated): ExAC 0.00001; TOPMed 0.00003; gnomAD 0.00005; 1000 Genomes Project 30x 0.00016; 1000 Genomes Project 0.00020.
gnomAD v4.1: 12 of 1,613,146 alleles (0.00074%); highest among the groups gnomAD compares: African/African-American, 0.015%; no homozygotes.

Submissions (2):

GeneDx
Classification: Uncertain significance. Last evaluated: 2026-03-20. Review status: criteria provided, single submitter. Criteria: GeneDx Variant Classification Process June 2021. Collection method: clinical testing. Allele origin: germline.
Comment: Reported in a cohort of individuals with cardiovascular disease traits; however, zygosity and clinical information was not provided (PMID: 31345219); Nonsense variant predicted to result in protein truncation or nonsense mediated decay in a gene for which loss of function is a known mechanism of disease; This variant is associated with the following publications: (PMID: 25942481, 22855339, 15128933, 33715104, 31345219)

Labcorp Genetics (formerly Invitae), Labcorp
Classification: Pathogenic. Last evaluated: 2022-12-26. Review status: criteria provided, single submitter. Criteria: Invitae Variant Classification Sherloc (09022015). Collection method: clinical testing. Allele origin: germline.
Comment: For these reasons, this variant has been classified as Pathogenic. This variant has not been reported in the literature in individuals affected with CYP2R1-related conditions. This variant is present in population databases (rs199883994, gnomAD 0.01%). This sequence change creates a premature translational stop signal (p.Arg424*) in the CYP2R1 gene. It is expected to result in an absent or disrupted protein product. Loss-of-function variants in CYP2R1 are known to be pathogenic (PMID: 15128933, 22855339, 25942481, 33715104).

Literature cited by the submitters: PubMed 15128933 (cited by Labcorp Genetics (formerly Invitae), Labcorp); PubMed 22855339 (cited by Labcorp Genetics (formerly Invitae), Labcorp); PubMed 25942481 (cited by Labcorp Genetics (formerly Invitae), Labcorp); PubMed 33715104 (cited by Labcorp Genetics (formerly Invitae), Labcorp).

NM_024514.5(CYP2R1):c.1270C>T (p.Arg424Ter)

Genes: CYP2R1 (cytochrome P450 family 2 subfamily R member 1; minus strand), PDE3B (phosphodiesterase 3B; plus strand). Cytogenetic location: 11p15.2.
Variant type: single nucleotide variant.
Coding change: c.1270C>T on transcript NM_024514.5 (MANE Select); coding-DNA position 1270, C replaced by T.
Protein change: p.Arg424Ter; replaces arginine 424 with a stop codon.
Molecular consequence: nonsense. On other transcripts: non-coding transcript variant (12).
Genome position (GRCh38, 1-based): chr11:14,879,174, G>A on the plus strand (C>T on the coding strand, the complement: CYP2R1 is on the minus strand). VCF-style: chr11-14879174-G-A. GRCh37 (hg19) VCF-style: chr11-14900720-G-A.
Other names: c.925C>T, p.Arg309Ter (NM_001377214.1, NM_001377215.1, NM_001377216.1 and 5 more transcripts); c.1108C>T, p.Arg370Ter (NM_001377217.1); c.1270C>T (NM_024514.4); c.571C>T, p.Arg191Ter (NM_001400562.1, NM_001400563.1, NM_001400564.1 and 1 more transcripts); c.292C>T, p.Arg98Ter (NM_001400566.1); c.1126C>T, p.Arg376Ter (NM_001400567.1); c.1225C>T, p.Arg409Ter (NM_001400568.1); short protein forms R309*, R424*, R191*, R370*, R409*, R98*, R376*.
Identifiers: ClinVar variation 3022350 (VCV003022350.4), dbSNP rs199883994, ClinGen allele CA5896530.